The following is an entry in ClinVar:

ClinVar aggregate classification (germline): Uncertain significance. Review status: criteria provided, multiple submitters, no conflicts (2 of 4 stars). 3 submissions from 3 submitters: Uncertain significance (3). Last evaluated 2026-01-06.

Conditions:
Inborn genetic diseases. Identifiers: MedGen C0950123, MeSH D030342.
MCM3AP-related disorder. Also called: MCM3AP-related condition.

Allele frequency attached by ClinVar (database versions not stated): TOPMed 0.00001; ExAC 0.00003; gnomAD exomes 0.00003.
gnomAD v4.1: 23 of 1,609,510 alleles (0.0014%); highest among the groups gnomAD compares: Non-Finnish European, 0.002%; no homozygotes.

Submissions (3):

PreventionGenetics, part of Exact Sciences
Classification: Uncertain significance for MCM3AP-related condition. Last evaluated: 2026-01-06. Review status: criteria provided, single submitter. Criteria: ACMG Guidelines, 2015. Collection method: clinical testing. Allele origin: germline.
Comment: The MCM3AP c.2233G>T variant is predicted to result in the amino acid substitution p.Val745Leu. To our knowledge, this variant has not been reported in the literature. This variant is reported in 0.0063% of alleles in individuals of European (non-Finnish) descent in gnomAD. At this time, the clinical significance of this variant is uncertain due to the absence of conclusive functional and genetic evidence.

Ambry Genetics
Classification: Uncertain significance for Inborn genetic diseases. Last evaluated: 2025-08-07. Review status: criteria provided, single submitter. Criteria: Ambry Variant Classification Scheme 2023. Collection method: clinical testing. Allele origin: germline.

Labcorp Genetics (formerly Invitae), Labcorp
Classification: Uncertain significance. Last evaluated: 2022-07-07. Review status: criteria provided, single submitter. Criteria: Invitae Variant Classification Sherloc (09022015). Collection method: clinical testing. Allele origin: germline.
Comment: This sequence change replaces valine, which is neutral and non-polar, with leucine, which is neutral and non-polar, at codon 745 of the MCM3AP protein (p.Val745Leu). This variant is present in population databases (rs780514620, gnomAD 0.008%). This variant has not been reported in the literature in individuals affected with MCM3AP-related conditions. ClinVar contains an entry for this variant (Variation ID: 1363479). Algorithms developed to predict the effect of missense changes on protein structure and function (SIFT, PolyPhen-2, Align-GVGD) all suggest that this variant is likely to be disruptive. In summary, the available evidence is currently insufficient to determine the role of this variant in disease. Therefore, it has been classified as a Variant of Uncertain Significance.

NM_003906.5(MCM3AP):c.2233G>T (p.Val745Leu)

Gene: MCM3AP (minichromosome maintenance complex component 3 associated protein; minus strand). Cytogenetic location: 21q22.3.
Variant type: single nucleotide variant.
Coding change: c.2233G>T on transcript NM_003906.5 (MANE Select); coding-DNA position 2233, G replaced by T.
Protein change: p.Val745Leu; replaces valine 745 with leucine.
Molecular consequence: missense variant.
Genome position (GRCh38, 1-based): chr21:46,272,793, C>A on the plus strand (G>T on the coding strand, the complement: MCM3AP is on the minus strand). VCF-style: chr21-46272793-C-A. GRCh37 (hg19) VCF-style: chr21-47692707-C-A.
Other names: c.2233G>T (NM_003906.3, NM_003906.4); short protein forms V745L.
Identifiers: ClinVar variation 1363479 (VCV001363479.5), dbSNP rs780514620, ClinGen allele CA10076847.